The following is an entry in ClinVar:

ClinVar aggregate classification (germline): Likely benign (0 of 4 stars; one submission).

Conditions:
MYOM2-related disorder. Also called: MYOM2-related condition.

Allele frequency attached by ClinVar (database versions not stated): ExAC 0.00001; TOPMed 0.00003; gnomAD 0.00006.
gnomAD v4.1: 66 of 1,614,130 alleles (0.0041%); highest among the groups gnomAD compares: Middle Eastern, 0.46%; no homozygotes.

Submission:

PreventionGenetics, part of Exact Sciences
Classification: Likely benign for MYOM2-related condition. Last evaluated: 2019-06-24. Review status: no assertion criteria provided. Collection method: clinical testing. Allele origin: germline.
Comment: This variant is classified as likely benign based on ACMG/AMP sequence variant interpretation guidelines (Richards et al. 2015 PMID: 25741868, with internal and published modifications).

NM_003970.4(MYOM2):c.882G>A (p.Thr294=)

Gene: MYOM2 (myomesin 2; plus strand). Cytogenetic location: 8p23.3.
Variant type: single nucleotide variant.
Coding change: c.882G>A on transcript NM_003970.4 (MANE Select); coding-DNA position 882, G replaced by A.
Protein change: p.Thr294=; no amino-acid change (threonine 294 retained).
Molecular consequence: synonymous variant.
Genome position (GRCh38, 1-based): chr8:2,072,433, G>A. VCF-style: chr8-2072433-G-A. GRCh37 (hg19) VCF-style: chr8-2020513-G-A.
Identifiers: ClinVar variation 3042626 (VCV003042626.2), dbSNP rs750795644, ClinGen allele CA170447814.